The following is an entry in ClinVar:

ClinVar aggregate classification (germline): Conflicting classifications of pathogenicity. Review status: criteria provided, conflicting classifications (1 of 4 stars). 2 submissions from 2 submitters: Uncertain significance (1); Likely benign (1). Last evaluated 2025-01-28.

Conditions:
Cardiovascular phenotype. Identifiers: MedGen CN230736.

gnomAD v4.1: 3 of 1,613,748 alleles (0.00019%); highest among the groups gnomAD compares: Non-Finnish European, 0.00025%; no homozygotes.

Submissions (2):

Ambry Genetics
Classification: Likely benign for Cardiovascular phenotype. Last evaluated: 2025-01-28. Review status: criteria provided, single submitter. Criteria: Ambry Variant Classification Scheme 2023. Collection method: clinical testing. Allele origin: germline.

Athena Diagnostics
Classification: Uncertain significance. Last evaluated: 2023-10-25. Review status: criteria provided, single submitter. Criteria: Athena Diagnostics Criteria. Collection method: clinical testing. Allele origin: unknown.
Comment: Available data are insufficient to determine the clinical significance of the variant at this time. This variant has not been reported in large, multi-ethnic general populations. Computational tools yielded predictions that this variant is unlikely to have an effect on normal RNA splicing.

NM_001267550.2(TTN):c.99090T>C (p.Ile33030=)

Genes: TTN (titin; minus strand), TTN-AS1 (TTN antisense RNA 1; plus strand). Cytogenetic location: 2q31.2.
Variant type: single nucleotide variant.
Coding change: c.99090T>C on transcript NM_001267550.2 (MANE Select); coding-DNA position 99090, T replaced by C.
Protein change: p.Ile33030=; no amino-acid change (isoleucine 33030 retained).
Molecular consequence: synonymous variant. On other transcripts: non-coding transcript variant (1).
Genome position (GRCh38, 1-based): chr2:178,538,739, A>G on the plus strand (T>C on the coding strand, the complement: TTN is on the minus strand). VCF-style: chr2-178538739-A-G. GRCh37 (hg19) VCF-style: chr2-179403466-A-G.
Other names: c.94167T>C, p.Ile31389= (NM_001256850.1); c.71895T>C, p.Ile23965= (NM_003319.4); c.91386T>C, p.Ile30462= (NM_133378.4); c.72270T>C, p.Ile24090= (NM_133432.3); c.72471T>C, p.Ile24157= (NM_133437.4).
Identifiers: ClinVar variation 3571731 (VCV003571731.2).
Genomic context (GRCh38, chr2:178,538,739, plus strand): 5'-CTTATTGCTCTTCTTCCAGGCACTGTCTCCAGACTGTCTATATTCAACCCAGTATCCAAG[A>G]ATTTCTTTACCACCATCACATTCAGGTTTCTCCCACTGTAGAGTGACACTATCTTTGGAT-3'
Protein context (NP_001254479.2, residues 33020-33040): EKPECDGGKE[Ile33030=]LGYWVEYRQS